The following is an entry in ClinVar:

ClinVar aggregate classification (germline): Uncertain significance. Review status: criteria provided, multiple submitters, no conflicts (2 of 4 stars). 3 submissions from 3 submitters: Uncertain significance (3). Last evaluated 2024-04-25.

Conditions:
Cardiovascular phenotype. Identifiers: MedGen CN230736.
Catecholaminergic polymorphic ventricular tachycardia 1. Also called: VENTRICULAR TACHYCARDIA, CATECHOLAMINERGIC POLYMORPHIC, 1, WITH OR WITHOUT ATRIAL DYSFUNCTION AND/OR DILATED CARDIOMYOPATHY; VENTRICULAR TACHYCARDIA, STRESS-INDUCED POLYMORPHIC 1; RYR2-Related Catecholaminergic Polymorphic Ventricular Tachycardia. Identifiers: Orphanet 3286, MedGen C1631597, MONDO:0011484, OMIM 604772.
Catecholaminergic polymorphic ventricular tachycardia (CVPT). Also called: Catecholamine-induced polymorphic ventricular tachycardia. Identifiers: Orphanet 3286, MedGen C5574922, MONDO:0017990.

gnomAD v4.1: 12 of 1,613,886 alleles (0.00074%); highest among the groups gnomAD compares: Admixed American, 0.0017%; no homozygotes.

Submissions (3):

All of Us Research Program, National Institutes of Health
Classification: Uncertain significance for Catecholaminergic polymorphic ventricular tachycardia. Last evaluated: 2024-04-25. Review status: criteria provided, single submitter. Criteria: ACMG Guidelines, 2015. Collection method: clinical testing. Allele origin: germline. Inheritance: Autosomal dominant inheritance. Observed: 1 variant allele, 1 heterozygote.
Comment: This missense variant replaces methionine with valine at codon 4233 of the RYR2 protein. Computational prediction suggests that this variant may not impact protein structure and function (internally defined REVEL score threshold <= 0.5, PMID: 27666373). To our knowledge, functional studies have not been reported for this variant. This variant has not been reported in individuals affected with RYR2-related disorders in the literature. This variant has not been identified in the general population by the Genome Aggregation Database (gnomAD). The available evidence is insufficient to determine the role of this variant in disease conclusively. Therefore, this variant is classified as a Variant of Uncertain Significance.

This study involves interpretation of variants in research participants for the purpose of population health screening. Participant phenotype was not available at the time of variant classification. Additional details can be found in publication PMID: 35346344, PMCID: PMC8962531

Ambry Genetics
Classification: Uncertain significance for Cardiovascular phenotype. Last evaluated: 2023-04-26. Review status: criteria provided, single submitter. Criteria: Ambry Variant Classification Scheme 2023. Collection method: clinical testing. Allele origin: germline.
Comment: The p.M4233V variant (also known as c.12697A>G), located in coding exon 90 of the RYR2 gene, results from an A to G substitution at nucleotide position 12697. The methionine at codon 4233 is replaced by valine, an amino acid with highly similar properties. This amino acid position is not well conserved in available vertebrate species. In addition, the in silico prediction for this alteration is inconclusive. Since supporting evidence is limited at this time, the clinical significance of this alteration remains unclear.

Labcorp Genetics (formerly Invitae), Labcorp
Classification: Uncertain significance for Catecholaminergic polymorphic ventricular tachycardia 1. Last evaluated: 2021-02-03. Review status: criteria provided, single submitter. Criteria: Invitae Variant Classification Sherloc (09022015). Collection method: clinical testing. Allele origin: germline.
Comment: In summary, the available evidence is currently insufficient to determine the role of this variant in disease. Therefore, it has been classified as a Variant of Uncertain Significance. Advanced modeling of protein sequence and biophysical properties (such as structural, functional, and spatial information, amino acid conservation, physicochemical variation, residue mobility, and thermodynamic stability) performed at Invitae indicates that this missense variant is not expected to disrupt RYR2 protein function. This variant has not been reported in the literature in individuals with RYR2-related conditions. This variant is not present in population databases (ExAC no frequency). This sequence change replaces methionine with valine at codon 4233 of the RYR2 protein (p.Met4233Val). The methionine residue is highly conserved and there is a small physicochemical difference between methionine and valine.

NM_001035.3(RYR2):c.12697A>G (p.Met4233Val)

Genes: RYR2 (ryanodine receptor 2; plus strand), LOC126806068 (BRD4-independent group 4 enhancer GRCh37_chr1:237947411-237948610; plus strand). Cytogenetic location: 1q43.
Variant type: single nucleotide variant.
Coding change: c.12697A>G on transcript NM_001035.3 (MANE Select); coding-DNA position 12697, A replaced by G.
Protein change: p.Met4233Val; replaces methionine 4233 with valine.
Molecular consequence: missense variant.
Genome position (GRCh38, 1-based): chr1:237,784,409, A>G. VCF-style: chr1-237784409-A-G. GRCh37 (hg19) VCF-style: chr1-237947709-A-G.
Other names: c.12697A>G (NM_001035.2); short protein forms M4233V.
Identifiers: ClinVar variation 1492959 (VCV001492959.12), dbSNP rs2149354852, ClinGen allele CA345413940.